The following is an entry in ClinVar:

NM_001220.5(CAMK2B):c.188G>A (p.Arg63Gln)

Gene: CAMK2B (calcium/calmodulin dependent protein kinase II beta; minus strand). Cytogenetic location: 7p13.
Variant type: single nucleotide variant.
Coding change: c.188G>A on transcript NM_001220.5 (MANE Select); coding-DNA position 188, G replaced by A.
Protein change: p.Arg63Gln; replaces arginine 63 with glutamine.
Molecular consequence: missense variant.
Genome position (GRCh38, 1-based): chr7:44,263,037, C>T on the plus strand (G>A on the coding strand, the complement: CAMK2B is on the minus strand). VCF-style: chr7-44263037-C-T. GRCh37 (hg19) VCF-style: chr7-44302636-C-T.
Other names: c.188G>A, p.Arg63Gln (NM_172084.3, NM_001293170.2, NM_172078.3 and 5 more transcripts); short protein forms R63Q.
Identifiers: ClinVar variation 5017908 (VCV005017908.1).

ClinVar aggregate classification (germline): Uncertain significance (1 of 4 stars; one submission).

gnomAD v4.1: 2 of 1,613,406 alleles (0.00012%); highest among the groups gnomAD compares: Non-Finnish European, 0.00017%; no homozygotes.

Submission:

GeneDx
Classification: Uncertain significance. Last evaluated: 2026-04-02. Review status: criteria provided, single submitter. Criteria: GeneDx Variant Classification Process June 2021. Collection method: clinical testing. Allele origin: germline.
Comment: Not observed at significant frequency in large population cohorts (gnomAD); In silico analysis supports that this missense variant has a deleterious effect on protein structure/function; Has not been previously published as pathogenic or benign to our knowledge